The following is an entry in ClinVar:

NM_002474.3(MYH11):c.1921A>G (p.Ser641Gly)

Gene: MYH11 (myosin heavy chain 11; minus strand). Cytogenetic location: 16p13.11.
Variant type: single nucleotide variant.
Coding change: c.1921A>G on transcript NM_002474.3 (MANE Select); coding-DNA position 1921, A replaced by G.
Protein change: p.Ser641Gly; replaces serine 641 with glycine.
Molecular consequence: missense variant.
Genome position (GRCh38, 1-based): chr16:15,750,275, T>C on the plus strand (A>G on the coding strand, the complement: MYH11 is on the minus strand). VCF-style: chr16-15750275-T-C. GRCh37 (hg19) VCF-style: chr16-15844132-T-C.
Other names: c.1942A>G, p.Ser648Gly (NM_001040113.2, NM_001040114.2); c.1921A>G, p.Ser641Gly (NM_022844.3); short protein forms S641G, S648G.
Identifiers: ClinVar variation 3072191 (VCV003072191.1), dbSNP rs2506297852, ClinGen allele CA394869122.

ClinVar aggregate classification (germline): Uncertain significance (1 of 4 stars; one submission).

Conditions:
Familial thoracic aortic aneurysm and aortic dissection (TAAD). Also called: Thoracic aortic aneurysms and dissections. Identifiers: Orphanet 91387, MedGen C4707243, MONDO:0019625.

Submission:

All of Us Research Program, National Institutes of Health
Classification: Uncertain significance for Familial thoracic aortic aneurysm and aortic dissection. Last evaluated: 2023-06-26. Review status: criteria provided, single submitter. Criteria: ACMG Guidelines, 2015. Collection method: clinical testing. Allele origin: germline. Inheritance: Autosomal dominant inheritance. Observed: 1 variant allele, 1 heterozygote.
Comment: This missense variant replaces serine with glycine at codon 648 of the MYH11 protein. Computational prediction suggests that this variant may not impact protein structure and function (internally defined REVEL score threshold <= 0.5, PMID: 27666373). To our knowledge, functional studies have not been reported for this variant. This variant has not been reported in individuals affected with MYH11-related disorders in the literature. This variant has not been identified in the general population by the Genome Aggregation Database (gnomAD). The available evidence is insufficient to determine the role of this variant in disease conclusively. Therefore, this variant is classified as a Variant of Uncertain Significance.

This study involves interpretation of variants in research participants for the purpose of population health screening. Participant phenotype was not available at the time of variant classification. Additional details can be found in publication PMID: 35346344, PMCID: PMC8962531